The following is an entry in ClinVar:

NM_000059.4(BRCA2):c.665C>T (p.Pro222Leu)

Gene: BRCA2 (BRCA2 DNA repair associated; plus strand). Cytogenetic location: 13q13.1.
Variant type: single nucleotide variant.
Coding change: c.665C>T on transcript NM_000059.4 (MANE Select); coding-DNA position 665, C replaced by T.
Protein change: p.Pro222Leu; replaces proline 222 with leucine.
Molecular consequence: missense variant.
Genome position (GRCh38, 1-based): chr13:32,329,476, C>T. VCF-style: chr13-32329476-C-T. GRCh37 (hg19) VCF-style: chr13-32903613-C-T.
Other names: short protein forms P222L.
Identifiers: ClinVar variation 483005 (VCV000483005.20), dbSNP rs1555281352, ClinGen allele CA387759480.

ClinVar aggregate classification (germline): Uncertain significance. Review status: criteria provided, multiple submitters, no conflicts (2 of 4 stars). 4 submissions from 4 submitters: Uncertain significance (4). Last evaluated 2024-04-22.

Conditions:
Hereditary cancer-predisposing syndrome. Also called: Neoplastic Syndromes, Hereditary; Tumor predisposition; Hereditary Cancer Syndrome; Hereditary neoplastic syndrome. Identifiers: Orphanet 140162, MedGen C0027672, MeSH D009386, MONDO:0015356.
Hereditary breast ovarian cancer syndrome. Also called: Hereditary breast and ovarian cancer syndrome; Hereditary breast and ovarian cancer; Hereditary breast and ovarian cancer syndrome (HBOC); Breast and ovarian cancer; Hereditary breast and/or ovarian cancer syndrome; BRCA1- and BRCA2-Associated Hereditary Breast and Ovarian Cancer. Identifiers: Orphanet 145, MedGen C0677776, MeSH D061325, MONDO:0003582. Disease mechanism: loss of function.
BRCA2-related cancer predisposition. Identifiers: MedGen CN377758, MONDO:0700269.

Allele frequency attached by ClinVar (database versions not stated): gnomAD exomes below 0.00001.
gnomAD v4.1: 3 of 1,597,800 alleles (0.00019%); highest among the groups gnomAD compares: Non-Finnish European, 0.00026%; no homozygotes.

Submissions (4):

Labcorp Genetics (formerly Invitae), Labcorp
Classification: Uncertain significance for Hereditary breast ovarian cancer syndrome. Last evaluated: 2024-04-22. Review status: criteria provided, single submitter. Criteria: Invitae Variant Classification Sherloc (09022015). Collection method: clinical testing. Allele origin: germline.
Comment: This sequence change replaces proline, which is neutral and non-polar, with leucine, which is neutral and non-polar, at codon 222 of the BRCA2 protein (p.Pro222Leu). This variant is not present in population databases (gnomAD no frequency). This variant has not been reported in the literature in individuals affected with BRCA2-related conditions. ClinVar contains an entry for this variant (Variation ID: 483005). Advanced modeling of protein sequence and biophysical properties (such as structural, functional, and spatial information, amino acid conservation, physicochemical variation, residue mobility, and thermodynamic stability) performed at Invitae indicates that this missense variant is not expected to disrupt BRCA2 protein function with a negative predictive value of 95%. In summary, the available evidence is currently insufficient to determine the role of this variant in disease. Therefore, it has been classified as a Variant of Uncertain Significance.

All of Us Research Program, National Institutes of Health
Classification: Uncertain significance for BRCA2-related cancer predisposition. Last evaluated: 2024-04-16. Review status: criteria provided, single submitter. Criteria: ACMG Guidelines, 2015. Collection method: clinical testing. Allele origin: germline. Inheritance: Autosomal dominant inheritance. Observed: 2 variant alleles, 2 heterozygotes.
Comment: This missense variant replaces proline with leucine at codon 222 of the BRCA2 protein. Computational prediction suggests that this variant may not impact protein structure and function. To our knowledge, functional studies have not been reported for this variant. This variant has not been reported in individuals affected with BRCA2-related disorders in the literature, although it has been reported in an unaffected individual (PMID: 33471991; Leiden Open Variation Database DB-ID BRCA2_007738). This variant has not been identified in the general population by the Genome Aggregation Database (gnomAD). The available evidence is insufficient to determine the role of this variant in disease conclusively. Therefore, this variant is classified as a Variant of Uncertain Significance.

This study involves interpretation of variants in research participants for the purpose of population health screening. Participant phenotype was not available at the time of variant classification. Additional details can be found in publication PMID: 35346344, PMCID: PMC8962531

Ambry Genetics
Classification: Uncertain significance for Hereditary cancer-predisposing syndrome. Last evaluated: 2024-04-12. Review status: criteria provided, single submitter. Criteria: Ambry Variant Classification Scheme 2023. Collection method: clinical testing. Allele origin: germline.
Comment: The p.P222L variant (also known as c.665C>T), located in coding exon 7 of the BRCA2 gene, results from a C to T substitution at nucleotide position 665. The proline at codon 222 is replaced by leucine, an amino acid with similar properties. This amino acid position is highly conserved in available vertebrate species. In addition, this alteration is predicted to be tolerated by in silico analysis. Since supporting evidence is limited at this time, the clinical significance of this alteration remains unclear.

Color Diagnostics, LLC DBA Color Health
Classification: Uncertain significance for Hereditary cancer-predisposing syndrome. Last evaluated: 2024-03-29. Review status: criteria provided, single submitter. Criteria: ACMG Guidelines, 2015. Collection method: clinical testing. Allele origin: germline.
Comment: This missense variant replaces proline with leucine at codon 222 of the BRCA2 protein. Computational prediction suggests that this variant may not impact protein structure and function. To our knowledge, functional studies have not been reported for this variant. This variant has not been reported in individuals affected with BRCA2-related disorders in the literature, although it has been reported in an unaffected individual (PMID: 33471991; Leiden Open Variation Database DB-ID BRCA2_007738). This variant has not been identified in the general population by the Genome Aggregation Database (gnomAD). The available evidence is insufficient to determine the role of this variant in disease conclusively. Therefore, this variant is classified as a Variant of Uncertain Significance.

Literature cited by the submitters: PubMed 33471991 (cited by All of Us Research Program, National Institutes of Health and Color Diagnostics, LLC DBA Color Health).